The following is an entry in ClinVar:

NM_005045.4(RELN):c.1833G>A (p.Glu611=)

Gene: RELN (reelin; minus strand). Cytogenetic location: 7q22.1.
Variant type: single nucleotide variant.
Coding change: c.1833G>A on transcript NM_005045.4 (MANE Select); coding-DNA position 1833, G replaced by A.
Protein change: p.Glu611=; no amino-acid change (glutamic acid 611 retained).
Molecular consequence: synonymous variant.
Genome position (GRCh38, 1-based): chr7:103,651,720, C>T on the plus strand (G>A on the coding strand, the complement: RELN is on the minus strand). VCF-style: chr7-103651720-C-T. GRCh37 (hg19) VCF-style: chr7-103292167-C-T.
Other names: c.1833G>A, p.Glu611= (NM_173054.3).
Identifiers: ClinVar variation 4989862 (VCV004989862.1).

ClinVar aggregate classification (germline): Likely benign (1 of 4 stars; one submission).

Conditions:
RELN-related disorder. Also called: RELN-related condition.

gnomAD v4.1: 5 of 1,611,884 alleles (0.00031%); highest among the groups gnomAD compares: South Asian, 0.0055%; no homozygotes.

Submission:

PreventionGenetics, part of Exact Sciences
Classification: Likely benign for RELN-related condition. Last evaluated: 2024-11-13. Review status: criteria provided, single submitter. Criteria: ACMG Guidelines, 2015. Collection method: clinical testing. Allele origin: germline.
Comment: This variant is classified as likely benign based on ACMG/AMP sequence variant interpretation guidelines (Richards et al. 2015 PMID: 25741868, with internal and published modifications).